The following is an entry in ClinVar:

ClinVar aggregate classification (germline): Uncertain significance. Review status: criteria provided, multiple submitters, no conflicts (2 of 4 stars). 3 submissions from 3 submitters: Uncertain significance (2). 1 of the submissions does not count toward it. Last evaluated 2025-02-22.

Conditions:
Inborn genetic diseases. Identifiers: MedGen C0950123, MeSH D030342.
Fanconi anemia (FA). Also called: Fanconi's anemia. Identifiers: Orphanet 84, MedGen C0015625, MeSH D005199, MONDO:0019391.

Allele frequency attached by ClinVar (database versions not stated): gnomAD exomes below 0.00001; ExAC 0.00001; TOPMed 0.00001; ESP Exome Variant Server 0.00008.
gnomAD v4.1: 7 of 1,614,170 alleles (0.00043%); highest among the groups gnomAD compares: South Asian, 0.0011%; no homozygotes.

Submissions (3):

Ambry Genetics
Classification: Uncertain significance for Inborn genetic diseases. Last evaluated: 2025-02-22. Review status: criteria provided, single submitter. Criteria: Ambry Variant Classification Scheme 2023. Collection method: clinical testing. Allele origin: germline.
Comment: The p.R1053H variant (also known as c.3158G>A), located in coding exon 32 of the FANCA gene, results from a G to A substitution at nucleotide position 3158. The arginine at codon 1053 is replaced by histidine, an amino acid with highly similar properties. This amino acid position is conserved. In addition, this alteration is predicted to be tolerated by in silico analysis. Based on the available evidence, the clinical significance of this variant remains unclear.

Labcorp Genetics (formerly Invitae), Labcorp
Classification: Uncertain significance for Fanconi anemia. Last evaluated: 2024-05-02. Review status: criteria provided, single submitter. Criteria: Invitae Variant Classification Sherloc (09022015). Collection method: clinical testing. Allele origin: germline.
Comment: This sequence change replaces arginine, which is basic and polar, with histidine, which is basic and polar, at codon 1053 of the FANCA protein (p.Arg1053His). This variant is present in population databases (rs371351450, gnomAD 0.003%). This missense change has been observed in individual(s) with esophageal cancer (PMID: 21279724). ClinVar contains an entry for this variant (Variation ID: 408194). Advanced modeling of protein sequence and biophysical properties (such as structural, functional, and spatial information, amino acid conservation, physicochemical variation, residue mobility, and thermodynamic stability) performed at Invitae indicates that this missense variant is not expected to disrupt FANCA protein function with a negative predictive value of 80%. In summary, the available evidence is currently insufficient to determine the role of this variant in disease. Therefore, it has been classified as a Variant of Uncertain Significance.

Natera, Inc.
Classification: Uncertain significance for Fanconi anemia. Last evaluated: 2020-08-20. Review status: no assertion criteria provided. Collection method: clinical testing. Allele origin: germline. Not counted in ClinVar's aggregate classification.

Literature cited by the submitters: PubMed 21279724 (cited by Labcorp Genetics (formerly Invitae), Labcorp).

NM_000135.4(FANCA):c.3158G>A (p.Arg1053His)

Gene: FANCA (FA complementation group A; minus strand). Cytogenetic location: 16q24.3.
Variant type: single nucleotide variant.
Coding change: c.3158G>A on transcript NM_000135.4 (MANE Select); coding-DNA position 3158, G replaced by A.
Protein change: p.Arg1053His; replaces arginine 1053 with histidine.
Molecular consequence: missense variant.
Genome position (GRCh38, 1-based): chr16:89,749,811, C>T on the plus strand (G>A on the coding strand, the complement: FANCA is on the minus strand). VCF-style: chr16-89749811-C-T. GRCh37 (hg19) VCF-style: chr16-89816219-C-T.
Other names: c.3158G>A (LRG_495t1); c.3158G>A, p.Arg1053His (NM_001286167.3); short protein forms R1053H.
Identifiers: ClinVar variation 408194 (VCV000408194.13), dbSNP rs371351450, ClinGen allele CA8251318.